The following is an entry in ClinVar:

ClinVar aggregate classification (germline): Uncertain significance (1 of 4 stars; one submission).

gnomAD v4.1: 4 of 644,800 alleles (0.00062%); highest among the groups gnomAD compares: Middle Eastern, 0.082%; no homozygotes.

Submission:

Labcorp Genetics (formerly Invitae), Labcorp
Classification: Uncertain significance. Last evaluated: 2022-10-13. Review status: criteria provided, single submitter. Criteria: Invitae Variant Classification Sherloc (09022015). Collection method: clinical testing. Allele origin: germline.
Comment: This variant occurs in a non-coding region of the EYS gene. It does not change the encoded amino acid sequence of the EYS protein. This variant is not present in population databases (gnomAD no frequency). This variant has not been reported in the literature in individuals affected with EYS-related conditions. Experimental studies and prediction algorithms are not available or were not evaluated, and the functional significance of this variant is currently unknown. In summary, the available evidence is currently insufficient to determine the role of this variant in disease. Therefore, it has been classified as a Variant of Uncertain Significance.

NM_001142800.2(EYS):c.-168C>G

Gene: EYS (eyes shut homolog; minus strand). Cytogenetic location: 6q12.
Variant type: single nucleotide variant.
Coding change: c.-168C>G on transcript NM_001142800.2 (MANE Select); 168 bases upstream of the start codon, C replaced by G.
Molecular consequence: 5 prime UTR variant.
Genome position (GRCh38, 1-based): chr6:65,495,578, G>C on the plus strand (C>G on the coding strand, the complement: EYS is on the minus strand). VCF-style: chr6-65495578-G-C. GRCh37 (hg19) VCF-style: chr6-66205471-G-C.
Other names: c.-168C>G (NM_001142801.2, NM_001292009.2, NM_198283.2).
Identifiers: ClinVar variation 2155495 (VCV002155495.1), dbSNP rs973838645, ClinGen allele CA140435007.
Genomic context (GRCh38, chr6:65,495,578, plus strand): 5'-ATTGGAATTGACCTTTTTTCTATACCCAAAGTAGCTTTGATGACAATGTGCTTTGATGGA[G>C]AAACAGGAATTCAAATGTTGTAAATATTCCTTTAAACAGAAAAAAACATATATTGTTAGT-3'